The following is an entry in ClinVar:

NM_004517.4(ILK):c.446G>A (p.Arg149Gln)

Genes: ILK (integrin linked kinase; plus strand), TAF10 (TATA-box binding protein associated factor 10; minus strand). Cytogenetic location: 11p15.4.
Variant type: single nucleotide variant.
Coding change: c.446G>A on transcript NM_004517.4 (MANE Select); coding-DNA position 446, G replaced by A.
Protein change: p.Arg149Gln; replaces arginine 149 with glutamine.
Molecular consequence: missense variant. On other transcripts: 3 prime UTR variant (1), intron variant (1).
Genome position (GRCh38, 1-based): chr11:6,608,788, G>A. VCF-style: chr11-6608788-G-A. GRCh37 (hg19) VCF-style: chr11-6630018-G-A.
Other names: c.446G>A, p.Arg149Gln (NM_001014794.3, NM_001014795.3); c.44G>A, p.Arg15Gln (NM_001278442.2); c.*2134C>T (NM_006284.4); c.352-96G>A (NM_001278441.2); short protein forms R149Q, R15Q.
Identifiers: ClinVar variation 222652 (VCV000222652.16), dbSNP rs869025437, ClinGen allele CA354002.

ClinVar aggregate classification (germline): Uncertain significance. Review status: criteria provided, multiple submitters, no conflicts (2 of 4 stars). 4 submissions from 4 submitters: Uncertain significance (4). Last evaluated 2026-01-13.

Conditions:
Primary familial hypertrophic cardiomyopathy (HCM). Identifiers: Orphanet 99739, MedGen C0949658, MeSH D024741, MONDO:0024573. Inheritance: Various modes of inheritance.

Allele frequency attached by ClinVar (database versions not stated): gnomAD exomes 0.00001 and 0.00009; gnomAD 0.00003; TOPMed 0.00008.
gnomAD v4.1: 129 of 1,613,558 alleles (0.008%); highest among the groups gnomAD compares: Non-Finnish European, 0.011%; no homozygotes.

Submissions (4):

Labcorp Genetics (formerly Invitae), Labcorp
Classification: Uncertain significance for Primary familial hypertrophic cardiomyopathy. Last evaluated: 2026-01-13. Review status: criteria provided, single submitter. Criteria: Invitae Variant Classification Sherloc (09022015). Collection method: clinical testing. Allele origin: germline.
Comment: This sequence change replaces arginine, which is basic and polar, with glutamine, which is neutral and polar, at codon 149 of the ILK protein (p.Arg149Gln). This variant is present in population databases (no rsID available, gnomAD 0.003%). This variant has not been reported in the literature in individuals affected with ILK-related conditions. ClinVar contains an entry for this variant (Variation ID: 222652). An algorithm developed to predict the effect of missense changes on protein structure and function (PolyPhen-2) suggests that this variant is likely to be tolerated. In summary, the available evidence is currently insufficient to determine the role of this variant in disease. Therefore, it has been classified as a Variant of Uncertain Significance.

Ambry Genetics
Classification: Uncertain significance. Last evaluated: 2025-05-17. Review status: criteria provided, single submitter. Criteria: Ambry Variant Classification Scheme 2023. Collection method: clinical testing. Allele origin: germline.

Blueprint Genetics
Classification: Uncertain significance. Last evaluated: 2024-11-05. Review status: criteria provided, single submitter. Criteria: ACMG Guidelines, 2015. Collection method: clinical testing. Allele origin: germline.

GeneDx
Classification: Uncertain significance. Last evaluated: 2017-08-10. Review status: criteria provided, single submitter. Criteria: GeneDx Variant Classification (06012015). Collection method: clinical testing. Allele origin: germline. Affected: yes.
Comment: A variant of uncertain significance has been identified in the ILK gene. The R149Q variant has not been published as pathogenic or been reported as benign to our knowledge. This variant is not observed in large population cohorts (Lek et al., 2016; 1000 Genomes Consortium et al., 2015; Exome Variant Server). The R149Q variant is a semi-conservative amino acid substitution, which may impact secondary protein structure as these residues differ in some properties. This substitution occurs at a position where amino acids with similar properties to arginine (R) are tolerated across species and where glutamine (Q) is present as the wild type in at least one species. Finally, in silico analysis is inconsistent in its predictions as to whether or not the variant is damaging to the protein structure/function.